The following is an entry in ClinVar:

NM_001386298.1(CIC):c.1292T>C (p.Phe431Ser)

Gene: CIC (capicua transcriptional repressor; plus strand). Cytogenetic location: 19q13.2.
Variant type: single nucleotide variant.
Coding change: c.1292T>C on transcript NM_001386298.1 (MANE Select); coding-DNA position 1292, T replaced by C.
Protein change: p.Phe431Ser; replaces phenylalanine 431 with serine.
Molecular consequence: missense variant.
Genome position (GRCh38, 1-based): chr19:42,273,075, T>C. VCF-style: chr19-42273075-T-C. GRCh37 (hg19) VCF-style: chr19-42777227-T-C.
Other names: c.1292T>C, p.Phe431Ser (NM_001304815.2, NM_001379480.1, NM_001379482.1 and 1 more transcripts); short protein forms F431S.
Identifiers: ClinVar variation 2649953 (VCV002649953.24), dbSNP rs2513602570, ClinGen allele CA406084283.

ClinVar aggregate classification (germline): Uncertain significance (1 of 4 stars; one submission).

Submission:

CeGaT Center for Human Genetics Tuebingen
Classification: Uncertain significance. Last evaluated: 2023-01-01. Review status: criteria provided, single submitter. Criteria: CeGaT Center For Human Genetics Tuebingen Variant Classification Criteria Version 2. Collection method: clinical testing. Allele origin: germline. Affected: yes. Observed: 1 variant allele.
Comment: CIC: PM2